The following is an entry in ClinVar:

ClinVar aggregate classification (germline): Uncertain significance (1 of 4 stars; one submission).

Submission:

CeGaT Center for Human Genetics Tuebingen
Classification: Uncertain significance. Last evaluated: 2022-05-01. Review status: criteria provided, single submitter. Criteria: CeGaT Center For Human Genetics Tuebingen Variant Classification Criteria Version 2. Collection method: clinical testing. Allele origin: germline. Affected: yes. Observed: 1 variant allele.
Comment: DNA2: PM2, PVS1:Moderate

NM_001080449.3(DNA2):c.166C>T (p.Gln56Ter)

Gene: DNA2 (DNA replication helicase/nuclease 2; minus strand). Cytogenetic location: 10q21.3.
Variant type: single nucleotide variant.
Coding change: c.166C>T on transcript NM_001080449.3 (MANE Select); coding-DNA position 166, C replaced by T.
Protein change: p.Gln56Ter; replaces glutamine 56 with a stop codon.
Molecular consequence: nonsense. On other transcripts: non-coding transcript variant (1).
Genome position (GRCh38, 1-based): chr10:68,470,072, G>A on the plus strand (C>T on the coding strand, the complement: DNA2 is on the minus strand). VCF-style: chr10-68470072-G-A. GRCh37 (hg19) VCF-style: chr10-70229829-G-A.
Other names: short protein forms Q56*.
Identifiers: ClinVar variation 1694563 (VCV001694563.31), dbSNP rs2133452707, ClinGen allele CA376832003.
Genomic context (GRCh38, chr10:68,470,072, plus strand): 5'-TTTCTAGTGACTGTGAAGCAGTGATGACCAGGCGCTTTTCACAGTTTCCCTCTTTGTTCT[G>A]TACAGTATTGACTGCCAACACCAGGTACCGGTTATCCATTCCTGTGCTCAGAACTGTTCT-3'